The following is an entry in ClinVar:

ClinVar aggregate classification (germline): Likely pathogenic (1 of 4 stars; one submission).

Conditions:
Progressive external ophthalmoplegia with mitochondrial DNA deletions, autosomal dominant 4. Also called: PROGRESSIVE EXTERNAL OPHTHALMOPLEGIA, AUTOSOMAL DOMINANT 4. Identifiers: MedGen C1864668, MONDO:0012415, OMIM 610131.

gnomAD v4.1: 9 of 1,610,410 alleles (0.00056%); highest among the groups gnomAD compares: South Asian, 0.0099%; no homozygotes.

Submission:

Neuberg Centre For Genomic Medicine, NCGM
Classification: Likely pathogenic for Progressive external ophthalmoplegia with mitochondrial DNA deletions, autosomal dominant 4. Last evaluated: 2023-05-20. Review status: criteria provided, single submitter. Criteria: ACMG Guidelines, 2015. Collection method: clinical testing. Allele origin: germline. Inheritance: Autosomal dominant inheritance. Affected: yes.
Comment: The observed invariant splice donor c.1110+2T>A variant in POLG2 gene has not been reported previously as a pathogenic variant nor a benign variant, to our knowledge. The c.1110+2T>A variant has been reported with allele frequency of 0.0008% in gnomAD Exomes. This variant has not been submitted to the ClinVar database. SpliceAI predicts this variant to cause splice donor loss (0.95). Loss of function variants have been previously reported to be disease causing. For these reasons, this variant has been classified as Likely Pathogenic.

NM_007215.4(POLG2):c.1110+2T>A

Genes: MILR1 (mast cell immunoglobulin like receptor 1; plus strand), POLG2 (DNA polymerase gamma 2, accessory subunit; minus strand). Cytogenetic location: 17q23.3.
Variant type: single nucleotide variant.
Coding change: c.1110+2T>A on transcript NM_007215.4 (MANE Select); the canonical splice donor site of the intron after coding-DNA position 1110, T replaced by A.
Molecular consequence: splice donor variant.
Genome position (GRCh38, 1-based): chr17:64,485,726, A>T on the plus strand (T>A on the coding strand, the complement: POLG2 is on the minus strand). VCF-style: chr17-64485726-A-T. GRCh37 (hg19) VCF-style: chr17-62481843-A-T.
Identifiers: ClinVar variation 3367103 (VCV003367103.1).